The following is an entry in ClinVar:

ClinVar aggregate classification (germline): Benign. Review status: criteria provided, multiple submitters, no conflicts (2 of 4 stars). 3 submissions from 3 submitters: Benign (2). 1 of the submissions does not count toward it. Last evaluated 2026-02-04.

Conditions:
SUCO-related disorder. Also called: SUCO-related condition.

Allele frequency attached by ClinVar (database versions not stated): 1000 Genomes Project 30x 0.00125; TOPMed 0.00134; 1000 Genomes Project 0.00140; ESP Exome Variant Server 0.00178; ExAC 0.00421.
gnomAD v4.1: 4,602 of 1,564,858 alleles (0.29%); highest among the groups gnomAD compares: Non-Finnish European, 0.36%; 12 homozygotes.

Submissions (3):

Labcorp Genetics (formerly Invitae), Labcorp
Classification: Benign. Last evaluated: 2026-02-04. Review status: criteria provided, single submitter. Criteria: Invitae Variant Classification Sherloc (09022015). Collection method: clinical testing. Allele origin: germline.

Breakthrough Genomics
Classification: Benign. Review status: criteria provided, single submitter. Criteria: ACMG Guidelines, 2015. Collection method: not provided. Allele origin: germline. Inheritance: Unknown mechanism. Affected: yes.

PreventionGenetics, part of Exact Sciences
Classification: Likely benign for SUCO-related condition. Last evaluated: 2019-12-06. Review status: no assertion criteria provided. Collection method: clinical testing. Allele origin: germline. Not counted in ClinVar's aggregate classification.
Comment: This variant is classified as likely benign based on ACMG/AMP sequence variant interpretation guidelines (Richards et al. 2015 PMID: 25741868, with internal and published modifications).

NM_014283.5(SUCO):c.42C>T (p.Leu14=)

Genes: SUCO (SUN domain containing ossification factor; plus strand), LOC129931914 (ATAC-STARR-seq lymphoblastoid active region 2094; plus strand). Cytogenetic location: 1q24.3.
Variant type: single nucleotide variant.
Coding change: c.42C>T on transcript NM_014283.5 (MANE Select); coding-DNA position 42, C replaced by T.
Protein change: p.Leu14=; no amino-acid change (leucine 14 retained).
Molecular consequence: synonymous variant. On other transcripts: 5 prime UTR variant (1).
Genome position (GRCh38, 1-based): chr1:172,533,477, C>T. VCF-style: chr1-172533477-C-T. GRCh37 (hg19) VCF-style: chr1-172502617-C-T.
Other names: c.42C>T, p.Leu14= (NM_001282750.2); c.-1488C>T (NM_001282751.2); c.627C>T, p.Leu209= (NM_016227.4); c.627C>T (NM_016227.3).
Identifiers: ClinVar variation 1637687 (VCV001637687.11), dbSNP rs45505403, ClinGen allele CA1246432.